The following is an entry in ClinVar:

NM_032043.3(BRIP1):c.3449C>G (p.Ala1150Gly)

Gene: BRIP1 (BRCA1 interacting DNA helicase 1; minus strand). Cytogenetic location: 17q23.2.
Variant type: single nucleotide variant.
Coding change: c.3449C>G on transcript NM_032043.3 (MANE Select); coding-DNA position 3449, C replaced by G.
Protein change: p.Ala1150Gly; replaces alanine 1150 with glycine.
Molecular consequence: missense variant.
Genome position (GRCh38, 1-based): chr17:61,683,597, G>C on the plus strand (C>G on the coding strand, the complement: BRIP1 is on the minus strand). VCF-style: chr17-61683597-G-C. GRCh37 (hg19) VCF-style: chr17-59760958-G-C.
Other names: short protein forms A1150G.
Identifiers: ClinVar variation 422872 (VCV000422872.12), dbSNP rs1064796059, ClinGen allele CA16620508.

ClinVar aggregate classification (germline): Uncertain significance. Review status: criteria provided, multiple submitters, no conflicts (2 of 4 stars). 4 submissions from 4 submitters: Uncertain significance (4). Last evaluated 2025-03-04.

Conditions:
Fanconi anemia complementation group J. Also called: BRIP1-Related Fanconi Anemia. Identifiers: Orphanet 84, MedGen C1836860, MONDO:0012187, OMIM 609054.
Familial cancer of breast. Also called: hereditary breast carcinoma; Hereditary breast cancer; BREAST CANCER, FAMILIAL. Identifiers: Orphanet 227535, MedGen C0346153, MONDO:0016419, OMIM 114480. Disease mechanism: loss of function.
Hereditary cancer-predisposing syndrome. Also called: Hereditary neoplastic syndrome; Hereditary Cancer Syndrome; Neoplastic Syndromes, Hereditary; Tumor predisposition. Identifiers: Orphanet 140162, MedGen C0027672, MeSH D009386, MONDO:0015356.

Submissions (4):

Center for Genomic Medicine, Rigshospitalet, Copenhagen University Hospital
Classification: Uncertain significance. Last evaluated: 2025-03-04. Review status: criteria provided, single submitter. Criteria: ACMG Guidelines, 2015. Collection method: clinical testing. Allele origin: germline.

Labcorp Genetics (formerly Invitae), Labcorp
Classification: Uncertain significance for Familial cancer of breast; Fanconi anemia complementation group J. Last evaluated: 2024-04-05. Review status: criteria provided, single submitter. Criteria: Invitae Variant Classification Sherloc (09022015). Collection method: clinical testing. Allele origin: germline.
Comment: This sequence change replaces alanine, which is neutral and non-polar, with glycine, which is neutral and non-polar, at codon 1150 of the BRIP1 protein (p.Ala1150Gly). This variant is not present in population databases (gnomAD no frequency). This variant has not been reported in the literature in individuals affected with BRIP1-related conditions. ClinVar contains an entry for this variant (Variation ID: 422872). An algorithm developed to predict the effect of missense changes on protein structure and function (PolyPhen-2) suggests that this variant is likely to be tolerated. In summary, the available evidence is currently insufficient to determine the role of this variant in disease. Therefore, it has been classified as a Variant of Uncertain Significance.

Ambry Genetics
Classification: Uncertain significance for Hereditary cancer-predisposing syndrome. Last evaluated: 2020-03-24. Review status: criteria provided, single submitter. Criteria: Ambry Variant Classification Scheme 2023. Collection method: clinical testing. Allele origin: germline.
Comment: The p.A1150G variant (also known as c.3449C>G), located in coding exon 19 of the BRIP1 gene, results from a C to G substitution at nucleotide position 3449. The alanine at codon 1150 is replaced by glycine, an amino acid with similar properties. This amino acid position is poorly conserved in available vertebrate species. In addition, this alteration is predicted to be tolerated by in silico analysis. Since supporting evidence is limited at this time, the clinical significance of this alteration remains unclear.

GeneDx
Classification: Uncertain significance. Last evaluated: 2016-12-08. Review status: criteria provided, single submitter. Criteria: GeneDx Variant Classification (06012015). Collection method: clinical testing. Allele origin: germline. Affected: yes.
Comment: This variant is denoted BRIP1 c.3449C>G at the cDNA level, p.Ala1150Gly (A1150G) at the protein level, and results in the change of an Alanine to a Glycine (GCT>GGT). This variant has not, to our knowledge, been published in the literature as pathogenic or benign. BRIP1 Ala1150Gly was not observed in approximately 6,500 individuals of European and African American ancestry in the NHLBI Exome Sequencing Project, suggesting it is not a common benign variant in these populations. Since Alanine and Glycine share similar properties, this is considered a conservative amino acid substitution. BRIP1 Ala1150Gly occurs at a position that is not conserved and is not located in a known functional domain (Cantor 2001, Rudolf 2006, Dephoure 2008, Cantor 2011). In silico analyses are inconsistent regarding the effect this variant may have on protein structure and function. Based on currently available evidence, it is unclear whether BRIP1 Ala1150Gly is a pathogenic or benign variant. We consider it to be a variant of uncertain significance.